The following is an entry in ClinVar:

NM_000059.4(BRCA2):c.5927G>T (p.Gly1976Val)

Gene: BRCA2 (BRCA2 DNA repair associated; plus strand). Cytogenetic location: 13q13.1.
Variant type: single nucleotide variant.
Coding change: c.5927G>T on transcript NM_000059.4 (MANE Select); coding-DNA position 5927, G replaced by T.
Protein change: p.Gly1976Val; replaces glycine 1976 with valine.
Molecular consequence: missense variant.
Genome position (GRCh38, 1-based): chr13:32,340,282, G>T. VCF-style: chr13-32340282-G-T. GRCh37 (hg19) VCF-style: chr13-32914419-G-T.
Other names: short protein forms G1976V.
Identifiers: ClinVar variation 142829 (VCV000142829.33), dbSNP rs587782751, ClinGen allele CA023378.

ClinVar aggregate classification (germline): Conflicting classifications of pathogenicity. Review status: criteria provided, conflicting classifications (1 of 4 stars). 10 submissions from 10 submitters: Uncertain significance (6); Likely benign (2). 2 of the submissions do not count toward it. Last evaluated 2026-01-28.

Conditions:
BRCA2-related cancer predisposition. Identifiers: MedGen CN377758, MONDO:0700269.
BRCA2-related disorder. Also called: BRCA2-related condition; BRCA2-related disorders. Identifiers: MedGen CN239275.
Hereditary cancer-predisposing syndrome. Also called: Tumor predisposition; Neoplastic Syndromes, Hereditary; Hereditary neoplastic syndrome; Hereditary Cancer Syndrome. Identifiers: Orphanet 140162, MedGen C0027672, MeSH D009386, MONDO:0015356.
Hereditary breast ovarian cancer syndrome. Also called: Hereditary breast and ovarian cancer; Hereditary breast and ovarian cancer syndrome (HBOC); Hereditary breast and ovarian cancer syndrome; BRCA1- and BRCA2-Associated Hereditary Breast and Ovarian Cancer; Breast and ovarian cancer; Hereditary breast and/or ovarian cancer syndrome. Identifiers: Orphanet 145, MedGen C0677776, MeSH D061325, MONDO:0003582. Disease mechanism: loss of function.
Breast-ovarian cancer, familial, susceptibility to, 2 (BROVCA2). Also called: BRCA2 Hereditary Breast and Ovarian Cancer. Identifiers: Orphanet 145, MedGen C2675520, MONDO:0012933, OMIM 612555. Disease mechanism: loss of function.

Allele frequency attached by ClinVar (database versions not stated): gnomAD 0.00004; TOPMed 0.00004.
gnomAD v4.1: 10 of 1,613,792 alleles (0.00062%); highest among the groups gnomAD compares: African/African-American, 0.012%; no homozygotes.

Submissions (10):

Labcorp Genetics (formerly Invitae), Labcorp
Classification: Uncertain significance for Hereditary breast ovarian cancer syndrome. Last evaluated: 2026-01-28. Review status: criteria provided, single submitter. Criteria: Invitae Variant Classification Sherloc (09022015). Collection method: clinical testing. Allele origin: germline.
Comment: This sequence change replaces glycine, which is neutral and non-polar, with valine, which is neutral and non-polar, at codon 1976 of the BRCA2 protein (p.Gly1976Val). This variant is present in population databases (rs587782751, gnomAD 0.02%). This missense change has been observed in individual(s) with breast cancer and ovarian cancer (PMID: 18284688, 22711857, 26287763). This variant is also known as 6155G>T. ClinVar contains an entry for this variant (Variation ID: 142829). Invitae Evidence Modeling of protein sequence and biophysical properties (such as structural, functional, and spatial information, amino acid conservation, physicochemical variation, residue mobility, and thermodynamic stability) indicates that this missense variant is not expected to disrupt BRCA2 protein function with a negative predictive value of 95%. In summary, the available evidence is currently insufficient to determine the role of this variant in disease. Therefore, it has been classified as a Variant of Uncertain Significance.

Color Diagnostics, LLC DBA Color Health
Classification: Likely benign for Hereditary cancer-predisposing syndrome. Last evaluated: 2025-10-14. Review status: criteria provided, single submitter. Criteria: ACMG Guidelines, 2015. Collection method: clinical testing. Allele origin: germline.

Quest Diagnostics Nichols Institute San Juan Capistrano
Classification: Uncertain significance. Last evaluated: 2025-06-16. Review status: criteria provided, single submitter. Criteria: Quest Diagnostics criteria. Collection method: clinical testing. Allele origin: unknown.
Comment: The BRCA2 c.5927G>T (p.Gly1976Val) variant has been reported in the published literature in individuals with breast cancer (PMID: 18284688 (2008), 26287763 (2015)), ovarian cancer (PMID: 22711857 (2012), and prostate cancer (PMID: 36922933 (2022)), and described to be located in a region of the BRCA2 gene that is tolerant to missense sequence changes (PMID: 31911673 (2020)). The frequency of this variant in the general population (Genome Aggregation Database) is uninformative in the assessment of its pathogenicity. Analysis of this variant using bioinformatics tools for the prediction of the effect of amino acid changes on protein structure and function yielded conflicting predictions that this variant is benign or damaging. Based on the available information, we are unable to determine the clinical significance of this variant.

GeneDx
Classification: Uncertain significance. Last evaluated: 2024-03-28. Review status: criteria provided, single submitter. Criteria: GeneDx Variant Classification Process June 2021. Collection method: clinical testing. Allele origin: germline. Affected: yes.
Comment: Observed in individuals with a personal or family history of breast or ovarian cancer (PMID: 18284688, 22711857, 26287763); In silico analysis supports that this missense variant has a deleterious effect on protein structure/function; Not observed at significant frequency in large population cohorts (gnomAD); Also known as 6155G>T; This variant is associated with the following publications: (PMID: 18284688, 22711857, 26287763, 29884841, 32377563, 31853058)

All of Us Research Program, National Institutes of Health
Classification: Uncertain significance for BRCA2-related cancer predisposition. Last evaluated: 2024-03-05. Review status: criteria provided, single submitter. Criteria: ACMG Guidelines, 2015. Collection method: clinical testing. Allele origin: germline. Inheritance: Autosomal dominant inheritance. Observed: 3 variant alleles, 3 heterozygotes.
Comment: This missense variant replaces glycine with valine at codon 1976 of the BRCA2 protein. Computational prediction tool is inconclusive regarding the impact of this variant on protein structure and function (internally defined REVEL score threshold 0.5 < inconclusive < 0.7, PMID: 27666373). To our knowledge, functional studies have not been performed for this variant. The variant has been reported in an individual affected with breast cancer and an individual affected with ovarian cancer (PMID: 18284688, 22711857). This variant has also been identified in 5/282178 chromosomes in the general population by the Genome Aggregation Database (gnomAD). The available evidence is insufficient to determine the role of this variant in disease conclusively. Therefore, this variant is classified as a Variant of Uncertain Significance.

This study involves interpretation of variants in research participants for the purpose of population health screening. Participant phenotype was not available at the time of variant classification. Additional details can be found in publication PMID: 35346344, PMCID: PMC8962531

Ambry Genetics
Classification: Uncertain significance for Hereditary cancer-predisposing syndrome. Last evaluated: 2024-02-16. Review status: criteria provided, single submitter. Criteria: Ambry Variant Classification Scheme 2023. Collection method: clinical testing. Allele origin: germline.
Comment: The p.G1976V variant (also known as c.5927G>T), located in coding exon 10 of the BRCA2 gene, results from a G to T substitution at nucleotide position 5927. The glycine at codon 1976 is replaced by valine, an amino acid with dissimilar properties. This alteration has been detected in individuals with breast and/or ovarian cancer (Lee E et al. Breast Cancer Res. 2008;10(1):R19; Alsop K et al. J. Clin. Oncol. 2012 Jul 20;30(21):2654-63; Pal T et al. Cancer. 2015 Dec 1;121(23):4173-80). This variant has also been identified in 3/3,579 African males diagnosed with prostate cancer who underwent multi-gene panel testing of 19 DNA repair and cancer predisposition genes (Matejcic M et al. JCO Precis Oncol, 2020 Jan;4:32-43). This amino acid position is well conserved in available vertebrate species. In addition, the in silico prediction for this alteration is inconclusive. Based on the available evidence, the clinical significance of this alteration remains unclear.

Women's Health and Genetics/Laboratory Corporation of America, LabCorp
Classification: Uncertain significance. Last evaluated: 2024-02-09. Review status: criteria provided, single submitter. Criteria: LabCorp Variant Classification Summary - May 2015. Collection method: clinical testing. Allele origin: germline.
Comment: Variant summary: BRCA2 c.5927G>T (p.Gly1976Val) results in a non-conservative amino acid change in the encoded protein sequence. Five of five in-silico tools predict a damaging effect of the variant on protein function. The variant allele was found at a frequency of 1.2e-05 in 250792 control chromosomes (gnomAD). The available data on variant occurrences in the general population are insufficient to allow any conclusion about variant significance. c.5927G>T has been reported in the literature in individuals affected with Hereditary Breast And Ovarian Cancer (example, Lee_2008, Alsop_2012, Pal_2015). These report(s) do not provide unequivocal conclusions about association of the variant with Hereditary Breast And Ovarian Cancer Syndrome. To our knowledge, no experimental evidence demonstrating an impact on protein function has been reported. The following publications have been ascertained in the context of this evaluation (PMID: 22711857, 18284688, 26287763). ClinVar contains an entry for this variant (Variation ID: 142829). Based on the evidence outlined above, the variant was classified as uncertain significance.

University of Washington Department of Laboratory Medicine, University of Washington
Classification: Likely benign for Hereditary cancer-predisposing syndrome. Last evaluated: 2023-03-23. Review status: criteria provided, single submitter. Criteria: Dines et al. (Genet Med. 2020). Collection method: curation. Allele origin: germline.
Comment: Missense variant in a coldspot region where missense variants are very unlikely to be pathogenic (PMID:31911673).

BRCA2 exon 11 coldspot. Reclassification based on statistical prior probability.

PreventionGenetics, part of Exact Sciences
Classification: Uncertain significance for BRCA2-related condition. Last evaluated: 2023-11-06. Review status: no assertion criteria provided. Collection method: clinical testing. Allele origin: germline. Not counted in ClinVar's aggregate classification.
Comment: The BRCA2 c.5927G>T variant is predicted to result in the amino acid substitution p.Gly1976Val. This variant has been previously reported as a variant of uncertain significance or suspected benign in two cohorts of individuals with early-onset or invasive breast cancer (Table S2, Lee et al. 2008. PubMed ID: 18284688; Table S1, Pal et al. 2015. PubMed ID: 26287763). In addition, this variant has been observed in a cohort of individuals with ovarian cancer (Table S2, Alsop et al. 2012. PubMed ID: 22711857, Supplementary Table 2). This variant is reported in 0.020% of alleles in individuals of African descent in gnomAD. It has conflicting interpretations of likely benign and uncertain significance in ClinVar. This variant occurs within a region of the BRCA2 gene that is predicted to be tolerant to variation (Table 2, Dines et al. 2020. PubMed ID: 31911673). At this time, the clinical significance of this variant is uncertain due to the absence of conclusive functional and genetic evidence.

Counsyl
Classification: Uncertain significance for Breast-ovarian cancer, familial, susceptibility to, 2. Last evaluated: 2018-04-26. Review status: no assertion criteria provided. Collection method: clinical testing. Allele origin: unknown. Not counted in ClinVar's aggregate classification.

Literature cited by the submitters: PubMed 18284688 (cited by 5 submitters); PubMed 22711857 (cited by 5 submitters); PubMed 26287763 (cited by 4 submitters); PubMed 32832836 (cited by Quest Diagnostics Nichols Institute San Juan Capistrano and Ambry Genetics); PubMed 31911673 (cited by Quest Diagnostics Nichols Institute San Juan Capistrano); PubMed 36922933 (cited by Quest Diagnostics Nichols Institute San Juan Capistrano).